The following is an entry in ClinVar:

ClinVar aggregate classification (germline): Likely pathogenic (1 of 4 stars; one submission).

Submission:

CeGaT Center for Human Genetics Tuebingen
Classification: Likely pathogenic. Last evaluated: 2024-01-01. Review status: criteria provided, single submitter. Criteria: CeGaT Center For Human Genetics Tuebingen Variant Classification Criteria Version 2. Collection method: clinical testing. Allele origin: germline. Affected: yes. Observed: 1 variant allele.
Comment: KRIT1: PM2, PS4:Moderate, PVS1:Moderate

NM_194454.3(KRIT1):c.2140C>T (p.Gln714Ter)

Gene: KRIT1 (KRIT1 ankyrin repeat containing; minus strand). Cytogenetic location: 7q21.2.
Variant type: single nucleotide variant.
Coding change: c.2140C>T on transcript NM_194454.3 (MANE Select); coding-DNA position 2140, C replaced by T.
Protein change: p.Gln714Ter; replaces glutamine 714 with a stop codon.
Molecular consequence: nonsense.
Genome position (GRCh38, 1-based): chr7:92,201,309, G>A on the plus strand (C>T on the coding strand, the complement: KRIT1 is on the minus strand). VCF-style: chr7-92201309-G-A. GRCh37 (hg19) VCF-style: chr7-91830623-G-A.
Other names: c.2140C>T, p.Gln714Ter (NM_001350681.1, NM_001350682.1, NM_001350683.1 and 26 more transcripts); c.1996C>T, p.Gln666Ter (NM_001013406.2, NM_001350669.1, NM_001350670.1); c.1426C>T, p.Gln476Ter (NM_001350671.1); short protein forms Q476*, Q666*, Q714*.
Identifiers: ClinVar variation 3026530 (VCV003026530.22), dbSNP rs2535516075, ClinGen allele CA368166369.